The following is an entry in ClinVar:

ClinVar aggregate classification (germline): Uncertain significance (1 of 4 stars; one submission).

Submission:

Labcorp Genetics (formerly Invitae), Labcorp
Classification: Uncertain significance. Last evaluated: 2018-05-22. Review status: criteria provided, single submitter. Criteria: Invitae Variant Classification Sherloc (09022015). Collection method: clinical testing. Allele origin: germline.
Comment: This sequence change replaces threonine with asparagine at codon 252 of the NTHL1 protein (p.Thr252Asn). The threonine residue is weakly conserved and there is a small physicochemical difference between threonine and asparagine. This variant is not present in population databases (ExAC no frequency). This variant has not been reported in the literature in individuals with NTHL1-related disease. Algorithms developed to predict the effect of missense changes on protein structure and function are either unavailable or do not agree on the potential impact of this missense change (SIFT: "Deleterious"; PolyPhen-2: "Possibly Damaging"; Align-GVGD: "Class C0"). In summary, the available evidence is currently insufficient to determine the role of this variant in disease. Therefore, it has been classified as a Variant of Uncertain Significance.

NM_002528.7(NTHL1):c.731C>A (p.Thr244Asn)

Gene: NTHL1 (nth like DNA glycosylase 1; minus strand). Cytogenetic location: 16p13.3.
Variant type: single nucleotide variant.
Coding change: c.731C>A on transcript NM_002528.7 (MANE Select); coding-DNA position 731, C replaced by A.
Protein change: p.Thr244Asn; replaces threonine 244 with asparagine.
Molecular consequence: missense variant.
Genome position (GRCh38, 1-based): chr16:2,040,193, G>T on the plus strand (C>A on the coding strand, the complement: NTHL1 is on the minus strand). VCF-style: chr16-2040193-G-T. GRCh37 (hg19) VCF-style: chr16-2090194-G-T.
Other names: c.560C>A, p.Thr187Asn (NM_001318193.2); c.401C>A, p.Thr134Asn (NM_001318194.2); short protein forms T134N, T187N, T244N.
Identifiers: ClinVar variation 1001329 (VCV001001329.7), dbSNP rs145312239, ClinGen allele CA394289060.